The following is an entry in ClinVar:

NM_001206744.2(TPO):c.2695C>T (p.His899Tyr)

Genes: LALTOP (lung cancer associated lncRNA targeting TOP2A; minus strand), TPO (thyroid peroxidase; plus strand), LOC126806104 (CDK7 strongly-dependent group 2 enhancer GRCh37_chr2:1544276-1545475; plus strand). Cytogenetic location: 2p25.3.
Variant type: single nucleotide variant.
Coding change: c.2695C>T on transcript NM_001206744.2 (MANE Select); coding-DNA position 2695, C replaced by T.
Protein change: p.His899Tyr; replaces histidine 899 with tyrosine.
Molecular consequence: missense variant.
Genome position (GRCh38, 1-based): chr2:1,540,670, C>T. VCF-style: chr2-1540670-C-T. GRCh37 (hg19) VCF-style: chr2-1544442-C-T.
Other names: c.2524C>T, p.His842Tyr (NM_001206745.2, NM_175719.4); c.2563C>T, p.His855Tyr (NM_175721.3); c.2176C>T, p.His726Tyr (NM_175722.3); c.2695C>T, p.His899Tyr (NM_000547.6); short protein forms H726Y, H842Y, H855Y, H899Y.
Identifiers: ClinVar variation 4527734 (VCV004527734.1).

ClinVar aggregate classification (germline): Uncertain significance (1 of 4 stars; one submission).

gnomAD v4.1: 1 of 1,613,374 alleles (0.000062%); highest among the groups gnomAD compares: Non-Finnish European, 0.000085%; no homozygotes.

Submission:

GeneDx
Classification: Uncertain significance. Last evaluated: 2025-05-05. Review status: criteria provided, single submitter. Criteria: GeneDx Variant Classification Process June 2021. Collection method: clinical testing. Allele origin: germline. Affected: yes.
Comment: Not observed at significant frequency in large population cohorts (gnomAD); In silico analysis suggests that this missense variant does not alter protein structure/function; Has not been previously published as pathogenic or benign to our knowledge